The following is an entry in ClinVar:

NM_003737.4(DCHS1):c.5848G>A (p.Val1950Met)

Gene: DCHS1 (dachsous cadherin-related 1; minus strand). Cytogenetic location: 11p15.4.
Variant type: single nucleotide variant.
Coding change: c.5848G>A on transcript NM_003737.4 (MANE Select); coding-DNA position 5848, G replaced by A.
Protein change: p.Val1950Met; replaces valine 1950 with methionine.
Molecular consequence: missense variant.
Genome position (GRCh38, 1-based): chr11:6,627,191, C>T on the plus strand (G>A on the coding strand, the complement: DCHS1 is on the minus strand). VCF-style: chr11-6627191-C-T. GRCh37 (hg19) VCF-style: chr11-6648422-C-T.
Other names: short protein forms V1950M.
Identifiers: ClinVar variation 2735537 (VCV002735537.3), dbSNP rs1407939913, ClinGen allele CA379391744.

ClinVar aggregate classification (germline): Uncertain significance (1 of 4 stars; one submission).

gnomAD v4.1: 56 of 1,613,020 alleles (0.0035%); highest among the groups gnomAD compares: Non-Finnish European, 0.0046%; no homozygotes.

Submission:

Labcorp Genetics (formerly Invitae), Labcorp
Classification: Uncertain significance. Last evaluated: 2025-04-02. Review status: criteria provided, single submitter. Criteria: Invitae Variant Classification Sherloc (09022015). Collection method: clinical testing. Allele origin: germline.
Comment: This sequence change replaces valine, which is neutral and non-polar, with methionine, which is neutral and non-polar, at codon 1950 of the DCHS1 protein (p.Val1950Met). This variant is present in population databases (no rsID available, gnomAD 0.002%). This missense change has been observed in individual(s) with kidney dysplasia (PMID: 26489027). ClinVar contains an entry for this variant (Variation ID: 2735537). Invitae Evidence Modeling of protein sequence and biophysical properties (such as structural, functional, and spatial information, amino acid conservation, physicochemical variation, residue mobility, and thermodynamic stability) has been performed for this missense variant. However, the output from this modeling did not meet the statistical confidence thresholds required to predict the impact of this variant on DCHS1 protein function. In summary, the available evidence is currently insufficient to determine the role of this variant in disease. Therefore, it has been classified as a Variant of Uncertain Significance.

Literature cited by the submitters: PubMed 26489027.